The following is an entry in ClinVar:

ClinVar aggregate classification (germline): Uncertain significance (1 of 4 stars; one submission).

Conditions:
Deficiency of alpha-mannosidase (MANSA). Also called: Mannosidosis, alpha-, types I and II; LYSOSOMAL ALPHA-D-MANNOSIDASE DEFICIENCY; Alpha-Mannosidosis. Identifiers: Orphanet 61, MedGen C0024748, MONDO:0009561, OMIM 248500.

Allele frequency attached by ClinVar (database versions not stated): gnomAD 0.00004.
gnomAD v4.1: 7 of 1,591,288 alleles (0.00044%); highest among the groups gnomAD compares: African/African-American, 0.004%; no homozygotes.

Submission:

Labcorp Genetics (formerly Invitae), Labcorp
Classification: Uncertain significance for Deficiency of alpha-mannosidase. Last evaluated: 2022-05-29. Review status: criteria provided, single submitter. Criteria: Invitae Variant Classification Sherloc (09022015). Collection method: clinical testing. Allele origin: germline.
Comment: This sequence change replaces valine, which is neutral and non-polar, with methionine, which is neutral and non-polar, at codon 869 of the MAN2B1 protein (p.Val869Met). This variant is present in population databases (no rsID available, gnomAD 0.01%). This variant has not been reported in the literature in individuals affected with MAN2B1-related conditions. Algorithms developed to predict the effect of missense changes on protein structure and function are either unavailable or do not agree on the potential impact of this missense change (SIFT: "Tolerated"; PolyPhen-2: "Possibly Damaging"; Align-GVGD: "Class C0"). In summary, the available evidence is currently insufficient to determine the role of this variant in disease. Therefore, it has been classified as a Variant of Uncertain Significance.

NM_000528.4(MAN2B1):c.2605G>A (p.Val869Met)

Gene: MAN2B1 (mannosidase alpha class 2B member 1; minus strand). Cytogenetic location: 19p13.13.
Variant type: single nucleotide variant.
Coding change: c.2605G>A on transcript NM_000528.4 (MANE Select); coding-DNA position 2605, G replaced by A.
Protein change: p.Val869Met; replaces valine 869 with methionine.
Molecular consequence: missense variant.
Genome position (GRCh38, 1-based): chr19:12,648,234, C>T on the plus strand (G>A on the coding strand, the complement: MAN2B1 is on the minus strand). VCF-style: chr19-12648234-C-T. GRCh37 (hg19) VCF-style: chr19-12759048-C-T.
Other names: c.2602G>A, p.Val868Met (NM_001173498.2); short protein forms V869M, V868M.
Identifiers: ClinVar variation 2154544 (VCV002154544.1), dbSNP rs1051322269, ClinGen allele CA404239663.